The following is an entry in ClinVar:

ClinVar aggregate classification (germline): Uncertain significance (1 of 4 stars; one submission).

gnomAD v4.1: 8 of 1,613,784 alleles (0.0005%); highest among the groups gnomAD compares: South Asian, 0.0011%; no homozygotes.

Submission:

GeneDx
Classification: Uncertain significance. Last evaluated: 2024-10-10. Review status: criteria provided, single submitter. Criteria: GeneDx Variant Classification Process June 2021. Collection method: clinical testing. Allele origin: germline. Affected: yes.
Comment: Not observed at significant frequency in large population cohorts (gnomAD); In silico analysis indicates that this missense variant does not alter protein structure/function; Has not been previously published as pathogenic or benign to our knowledge

NM_206933.4(USH2A):c.11664G>A (p.Met3888Ile)

Gene: USH2A (usherin; minus strand). Cytogenetic location: 1q41.
Variant type: single nucleotide variant.
Coding change: c.11664G>A on transcript NM_206933.4 (MANE Select); coding-DNA position 11664, G replaced by A.
Protein change: p.Met3888Ile; replaces methionine 3888 with isoleucine.
Molecular consequence: missense variant.
Genome position (GRCh38, 1-based): chr1:215,741,422, C>T on the plus strand (G>A on the coding strand, the complement: USH2A is on the minus strand). VCF-style: chr1-215741422-C-T. GRCh37 (hg19) VCF-style: chr1-215914764-C-T.
Other names: short protein forms M3888I.
Identifiers: ClinVar variation 3777561 (VCV003777561.1).